The following is an entry in ClinVar:

NM_002230.4(JUP):c.788C>T (p.Ala263Val)

Gene: JUP (junction plakoglobin; minus strand). Cytogenetic location: 17q21.2.
Variant type: single nucleotide variant.
Coding change: c.788C>T on transcript NM_002230.4 (MANE Select); coding-DNA position 788, C replaced by T.
Protein change: p.Ala263Val; replaces alanine 263 with valine.
Molecular consequence: missense variant.
Genome position (GRCh38, 1-based): chr17:41,767,500, G>A on the plus strand (C>T on the coding strand, the complement: JUP is on the minus strand). VCF-style: chr17-41767500-G-A. GRCh37 (hg19) VCF-style: chr17-39923752-G-A.
Other names: c.788C>T (NM_002230.2); c.788C>T, p.Ala263Val (NM_001352774.2, NM_001352775.2, NM_001352776.2 and 3 more transcripts); short protein forms A263V.
Identifiers: ClinVar variation 1062351 (VCV001062351.9), dbSNP rs1287470595, ClinGen allele CA399501242.
Genomic context (GRCh38, chr17:41,767,500, plus strand): 5'-TTGGGGTTGTTCTTGTTGAGCAGGGGCACCATCTTTTGCAGCCCGTCGGCCAGGCGCACG[G>A]CCATCTTGGCGCCCTCCTGGTACAGGAGCAGGTTGTGCAGCGTGGTGATGGCATAGAACA-3'
Protein context (NP_002221.1, residues 253-273): LLLYQEGAKM[Ala263Val]VRLADGLQKM

ClinVar aggregate classification (germline): Uncertain significance. Review status: criteria provided, multiple submitters, no conflicts (2 of 4 stars). 3 submissions from 3 submitters: Uncertain significance (3). Last evaluated 2026-06-09.

Conditions:
Cardiovascular phenotype. Identifiers: MedGen CN230736.
Naxos disease (NXD). Also called: KERATOSIS PALMOPLANTARIS WITH ARRHYTHMOGENIC CARDIOMYOPATHY; MAL DE NAXOS; CARDIOMYOPATHY, ARRHYTHMOGENIC RIGHT VENTRICULAR, WITH SKIN, HAIR, AND NAIL ABNORMALITIES; PALMOPLANTAR KERATODERMA WITH ARRHYTHMOGENIC RIGHT VENTRICULAR CARDIOMYOPATHY AND WOOLLY HAIR; WOOLLY HAIR, PALMOPLANTAR KERATODERMA, AND CARDIAC ABNORMALITIES. Identifiers: Orphanet 34217, MedGen C1832600, MONDO:0011017, OMIM 601214.
Arrhythmogenic right ventricular dysplasia 12. Also called: ARRHYTHMOGENIC RIGHT VENTRICULAR DYSPLASIA, FAMILIAL, 12. Identifiers: MedGen C1969081, MONDO:0012684, OMIM 611528.

Allele frequency attached by ClinVar (database versions not stated): gnomAD 0.00001; gnomAD exomes 0.00001.
gnomAD v4.1: 11 of 1,611,496 alleles (0.00068%); highest among the groups gnomAD compares: Middle Eastern, 0.049%; 1 homozygote.

Submissions (3):

Ambry Genetics
Classification: Uncertain significance for Cardiovascular phenotype. Last evaluated: 2026-06-09. Review status: criteria provided, single submitter. Criteria: Ambry Variant Classification Scheme 2023. Collection method: clinical testing. Allele origin: germline.
Comment: The p.A263V variant (also known as c.788C>T), located in coding exon 4 of the JUP gene, results from a C to T substitution at nucleotide position 788. The alanine at codon 263 is replaced by valine, an amino acid with similar properties. This amino acid position is conserved. In addition, this alteration is predicted to be deleterious by in silico analysis. Based on the available evidence, the clinical significance of this variant remains unclear.

Labcorp Genetics (formerly Invitae), Labcorp
Classification: Uncertain significance for Arrhythmogenic right ventricular dysplasia 12; Naxos disease. Last evaluated: 2024-09-30. Review status: criteria provided, single submitter. Criteria: Invitae Variant Classification Sherloc (09022015). Collection method: clinical testing. Allele origin: germline.
Comment: This sequence change replaces alanine, which is neutral and non-polar, with valine, which is neutral and non-polar, at codon 263 of the JUP protein (p.Ala263Val). This variant is present in population databases (no rsID available, gnomAD 0.007%). This variant has not been reported in the literature in individuals affected with JUP-related conditions. ClinVar contains an entry for this variant (Variation ID: 1062351). An algorithm developed to predict the effect of missense changes on protein structure and function (PolyPhen-2) suggests that this variant is likely to be disruptive. In summary, the available evidence is currently insufficient to determine the role of this variant in disease. Therefore, it has been classified as a Variant of Uncertain Significance.

GeneDx
Classification: Uncertain significance. Last evaluated: 2024-05-17. Review status: criteria provided, single submitter. Criteria: GeneDx Variant Classification Process June 2021. Collection method: clinical testing. Allele origin: germline. Affected: yes.
Comment: Has not been previously published as pathogenic or benign to our knowledge; Not observed at significant frequency in large population cohorts (gnomAD); In silico analysis supports that this missense variant has a deleterious effect on protein structure/function